The following is an entry in ClinVar:

NM_000548.5(TSC2):c.976-3C>T

Gene: TSC2 (TSC complex subunit 2; plus strand). Cytogenetic location: 16p13.3.
Variant type: single nucleotide variant.
Coding change: c.976-3C>T on transcript NM_000548.5 (MANE Select); 3 bases into the intron before coding-DNA position 976, C replaced by T.
Molecular consequence: intron variant.
Genome position (GRCh38, 1-based): chr16:2,060,667, C>T. VCF-style: chr16-2060667-C-T. GRCh37 (hg19) VCF-style: chr16-2110668-C-T.
Other names: c.976-3C>T (NM_001114382.3, NM_021055.3, NM_001370405.1 and 3 more transcripts); c.865-3C>T (NM_001318827.2); c.376-3C>T (NM_001318831.2); c.829-3C>T (NM_001318829.2); c.1009-3C>T (NM_001318832.2).
Identifiers: ClinVar variation 382887 (VCV000382887.19), dbSNP rs45517151, ClinGen allele CA056833.
Genomic context (GRCh38, chr16:2,060,667, plus strand): 5'-GGAGGGCGTCCCACAGCAAGCAAGCAGCTCTGACCCTGTGTGCTGGCCGGGCTCGTGTTC[C>T]AGGCCATGGCATGTCCGAACGAGGTGGTGTCCTATGAGATCGTCCTGTCCATCACCAGGC-3'

ClinVar aggregate classification (germline): Benign/Likely benign. Review status: criteria provided, multiple submitters, no conflicts (2 of 4 stars). 5 submissions from 5 submitters: Benign (2); Likely benign (3). Last evaluated 2025-09-10.

Conditions:
Hereditary cancer-predisposing syndrome. Also called: Hereditary neoplastic syndrome; Tumor predisposition; Neoplastic Syndromes, Hereditary; Hereditary Cancer Syndrome. Identifiers: Orphanet 140162, MedGen C0027672, MeSH D009386, MONDO:0015356.
Tuberous sclerosis syndrome (TSC). Also called: Tuberous sclerosis; Tuberous Sclerosis Complex. Identifiers: Orphanet 805, MedGen C0041341, MONDO:0001734.
Tuberous sclerosis 2 (TSC2). Identifiers: Orphanet 805, MedGen C1860707, MONDO:0013199, OMIM 613254.

Allele frequency attached by ClinVar (database versions not stated): ExAC 0.00001; gnomAD 0.00001; gnomAD exomes 0.00001; TOPMed 0.00001.
gnomAD v4.1: 13 of 1,613,938 alleles (0.00081%); highest among the groups gnomAD compares: East Asian, 0.0022%; no homozygotes.

Submissions (5):

Labcorp Genetics (formerly Invitae), Labcorp
Classification: Benign for Tuberous sclerosis 2. Last evaluated: 2025-09-10. Review status: criteria provided, single submitter. Criteria: Invitae Variant Classification Sherloc (09022015). Collection method: clinical testing. Allele origin: germline.

Color Diagnostics, LLC DBA Color Health
Classification: Likely benign for Tuberous sclerosis syndrome. Last evaluated: 2025-07-09. Review status: criteria provided, single submitter. Criteria: ACMG Guidelines, 2015. Collection method: clinical testing. Allele origin: germline.

Genome-Nilou Lab
Classification: Benign for Tuberous sclerosis 2. Last evaluated: 2021-11-07. Review status: criteria provided, single submitter. Criteria: ACMG Guidelines, 2015. Collection method: clinical testing. Allele origin: germline. Affected: no.

Ambry Genetics
Classification: Likely benign for Hereditary cancer-predisposing syndrome. Last evaluated: 2019-11-04. Review status: criteria provided, single submitter. Criteria: Ambry Variant Classification Scheme 2023. Collection method: clinical testing. Allele origin: germline.

GeneDx
Classification: Likely benign. Last evaluated: 2016-01-21. Review status: criteria provided, single submitter. Criteria: GeneDx Variant Classification (06012015). Collection method: clinical testing. Allele origin: germline. Affected: yes.
Comment: This variant is considered likely benign or benign based on one or more of the following criteria: it is a conservative change, it occurs at a poorly conserved position in the protein, it is predicted to be benign by multiple in silico algorithms, and/or has population frequency not consistent with disease.

Literature cited by the submitters: PubMed 10533066 (cited by Ambry Genetics); PubMed 11068191 (cited by Ambry Genetics).